The following is an entry in ClinVar:

ClinVar aggregate classification (germline): Benign (0 of 4 stars; one submission).

Conditions:
TBC1D4-related disorder. Also called: TBC1D4-related condition.

Allele frequency attached by ClinVar (database versions not stated): gnomAD exomes 0.00022; TOPMed 0.00053; gnomAD 0.00058; ExAC 0.00115; 1000 Genomes Project 0.00439; 1000 Genomes Project 30x 0.00453.
gnomAD v4.1: 440 of 1,613,880 alleles (0.027%); highest among the groups gnomAD compares: East Asian, 0.86%; 3 homozygotes.

Submission:

PreventionGenetics, part of Exact Sciences
Classification: Benign for TBC1D4-related condition. Last evaluated: 2024-02-19. Review status: no assertion criteria provided. Collection method: clinical testing. Allele origin: germline.
Comment: This variant is classified as benign based on ACMG/AMP sequence variant interpretation guidelines (Richards et al. 2015 PMID: 25741868, with internal and published modifications).

NM_014832.5(TBC1D4):c.2147G>A (p.Ser716Asn)

Gene: TBC1D4 (TBC1 domain family member 4; minus strand). Cytogenetic location: 13q22.2.
Variant type: single nucleotide variant.
Coding change: c.2147G>A on transcript NM_014832.5 (MANE Select); coding-DNA position 2147, G replaced by A.
Protein change: p.Ser716Asn; replaces serine 716 with asparagine.
Molecular consequence: missense variant. On other transcripts: intron variant (1).
Genome position (GRCh38, 1-based): chr13:75,324,288, C>T on the plus strand (G>A on the coding strand, the complement: TBC1D4 is on the minus strand). VCF-style: chr13-75324288-C-T. GRCh37 (hg19) VCF-style: chr13-75898424-C-T.
Other names: c.2147G>A, p.Ser716Asn (NM_001286658.2); c.2033+1909G>A (NM_001286659.2); short protein forms S716N.
Identifiers: ClinVar variation 3034087 (VCV003034087.2), dbSNP rs184766279, ClinGen allele CA7003799.
Genomic context (GRCh38, chr13:75,324,288, plus strand): 5'-TGATCTCACCTGATTTCATTTTCATACTGTGGGGACAGTCTACCTGAATTCTGGTAAAAG[C>T]TTTTCAGGAAAGAGGGGGCAGTGAAGGAAGGGGCAGAGAAGGAAGTGTGAAGACTTGGAA-3'
Protein context (NP_055647.2, residues 706-726): PSFTAPSFLK[Ser716Asn]FYQNSGRLSP